The following is an entry in ClinVar:

ClinVar aggregate classification (germline): Uncertain significance. Review status: criteria provided, multiple submitters, no conflicts (2 of 4 stars). 2 submissions from 2 submitters: Uncertain significance (2). Last evaluated 2025-10-24.

Conditions:
Inborn genetic diseases. Identifiers: MedGen C0950123, MeSH D030342.

Allele frequency attached by ClinVar (database versions not stated): gnomAD exomes 0.00003; gnomAD 0.00001; TOPMed 0.00002.
gnomAD v4.1: 37 of 1,569,494 alleles (0.0024%); highest among the groups gnomAD compares: Non-Finnish European, 0.0028%; no homozygotes.

Submissions (2):

Ambry Genetics
Classification: Uncertain significance for Inborn genetic diseases. Last evaluated: 2025-10-24. Review status: criteria provided, single submitter. Criteria: Ambry Variant Classification Scheme 2023. Collection method: clinical testing. Allele origin: germline.

Labcorp Genetics (formerly Invitae), Labcorp
Classification: Uncertain significance. Last evaluated: 2024-01-04. Review status: criteria provided, single submitter. Criteria: Invitae Variant Classification Sherloc (09022015). Collection method: clinical testing. Allele origin: germline.
Comment: This sequence change replaces leucine, which is neutral and non-polar, with phenylalanine, which is neutral and non-polar, at codon 39 of the LONP1 protein (p.Leu39Phe). The frequency data for this variant in the population databases is considered unreliable, as metrics indicate poor data quality at this position in the gnomAD database. This variant has not been reported in the literature in individuals affected with LONP1-related conditions. ClinVar contains an entry for this variant (Variation ID: 2064617). Algorithms developed to predict the effect of missense changes on protein structure and function output the following: SIFT: "Not Available"; PolyPhen-2: "Benign"; Align-GVGD: "Not Available". The phenylalanine amino acid residue is found in multiple mammalian species, which suggests that this missense change does not adversely affect protein function. In summary, the available evidence is currently insufficient to determine the role of this variant in disease. Therefore, it has been classified as a Variant of Uncertain Significance.

NM_004793.4(LONP1):c.117G>T (p.Leu39Phe)

Gene: LONP1 (lon peptidase 1, mitochondrial; minus strand). Cytogenetic location: 19p13.3.
Variant type: single nucleotide variant.
Coding change: c.117G>T on transcript NM_004793.4 (MANE Select); coding-DNA position 117, G replaced by T.
Protein change: p.Leu39Phe; replaces leucine 39 with phenylalanine.
Molecular consequence: missense variant. On other transcripts: intron variant (1).
Genome position (GRCh38, 1-based): chr19:5,720,016, C>A on the plus strand (G>T on the coding strand, the complement: LONP1 is on the minus strand). VCF-style: chr19-5720016-C-A. GRCh37 (hg19) VCF-style: chr19-5720027-C-A.
Other names: c.117G>T, p.Leu39Phe (NM_001276479.2); c.-160+203G>T (NM_001276480.1); c.117G>T (NM_004793.2); short protein forms L39F.
Identifiers: ClinVar variation 2064617 (VCV002064617.5), dbSNP rs1166207494, ClinGen allele CA403544503.
Genomic context (GRCh38, chr19:5,720,016, plus strand): 5'-CGGGCCTCGGCCCCACAGTGCCCAAGGAGGAGAGGCGTCGCAGGTCCGCTGGCCTCGGAG[C>A]AACCACGCTCCTGCTGCAGTGGGAACCCGCCCCCCGGCGGCGGCCAGCATCGGCCGCCGC-3'
Protein context (NP_004784.2, residues 29-49): GRVPTAAGAW[Leu39Phe]LRGQRTCDAS